The following is an entry in ClinVar:

NM_006393.3(NEBL):c.137C>T (p.Thr46Met)

Gene: NEBL (nebulette; minus strand). Cytogenetic location: 10p12.31.
Variant type: single nucleotide variant.
Coding change: c.137C>T on transcript NM_006393.3 (MANE Select); coding-DNA position 137, C replaced by T.
Protein change: p.Thr46Met; replaces threonine 46 with methionine.
Molecular consequence: missense variant. On other transcripts: intron variant (9).
Genome position (GRCh38, 1-based): chr10:20,896,974, G>A on the plus strand (C>T on the coding strand, the complement: NEBL is on the minus strand). VCF-style: chr10-20896974-G-A. GRCh37 (hg19) VCF-style: chr10-21185903-G-A.
Other names: c.249+64698C>T (NM_001377326.1, NM_001377327.1, NM_001377328.1); c.357+64698C>T (NM_213569.2, NM_001173484.2, NM_001377322.1); c.300+64698C>T (NM_001377324.1); c.291+64698C>T (NM_001377325.1); c.309+64698C>T (NM_001377323.1); short protein forms T46M.
Identifiers: ClinVar variation 2624444 (VCV002624444.5), dbSNP rs758542974, ClinGen allele CA5433368.

ClinVar aggregate classification (germline): Uncertain significance. Review status: criteria provided, multiple submitters, no conflicts (2 of 4 stars). 3 submissions from 3 submitters: Uncertain significance (3). Last evaluated 2026-02-02.

Conditions:
Primary dilated cardiomyopathy (DCM). Also called: Dilated Cardiomyopathy. Identifiers: Orphanet 217604, MedGen C0007193, MeSH D002311, MONDO:0005021, HP:0001644. Inheritance: Various modes of inheritance.

Allele frequency attached by ClinVar (database versions not stated): gnomAD 0.00001; TOPMed 0.00002.
gnomAD v4.1: 32 of 1,613,498 alleles (0.002%); highest among the groups gnomAD compares: African/African-American, 0.0067%; no homozygotes.

Submissions (3):

Women's Health and Genetics/Laboratory Corporation of America, LabCorp
Classification: Uncertain significance. Last evaluated: 2026-02-02. Review status: criteria provided, single submitter. Criteria: LabCorp Variant Classification Summary - May 2015. Collection method: clinical testing. Allele origin: germline.

Labcorp Genetics (formerly Invitae), Labcorp
Classification: Uncertain significance for Primary dilated cardiomyopathy. Last evaluated: 2025-09-15. Review status: criteria provided, single submitter. Criteria: Invitae Variant Classification Sherloc (09022015). Collection method: clinical testing. Allele origin: germline.
Comment: This sequence change replaces threonine, which is neutral and polar, with methionine, which is neutral and non-polar, at codon 46 of the NEBL protein (p.Thr46Met). This variant is present in population databases (rs758542974, gnomAD 0.003%). This variant has not been reported in the literature in individuals affected with NEBL-related conditions. ClinVar contains an entry for this variant (Variation ID: 2624444). An algorithm developed to predict the effect of missense changes on protein structure and function (PolyPhen-2) suggests that this variant is likely to be disruptive. In summary, the available evidence is currently insufficient to determine the role of this variant in disease. Therefore, it has been classified as a Variant of Uncertain Significance.

Ambry Genetics
Classification: Uncertain significance. Last evaluated: 2023-11-27. Review status: criteria provided, single submitter. Criteria: Ambry Variant Classification Scheme 2023. Collection method: clinical testing. Allele origin: germline.